The following is an entry in ClinVar:

ClinVar aggregate classification (germline): Pathogenic. Review status: criteria provided, multiple submitters, no conflicts (2 of 4 stars). 3 submissions from 3 submitters: Pathogenic (3). Last evaluated 2025-12-29.

Conditions:
Erythrocytosis, familial, 4 (ECYT4). Identifiers: Orphanet 247511, MedGen C2673187, MONDO:0012729, OMIM 611783.

Submissions (3):

Center for Genomic Medicine, Rigshospitalet, Copenhagen University Hospital
Classification: Pathogenic. Last evaluated: 2025-12-29. Review status: criteria provided, single submitter. Criteria: ACMG Guidelines, 2015. Collection method: clinical testing. Allele origin: germline.
Comment: Classification criteria: PS4_Moderate, PM2_Supporting, PM5, PP3_Strong, PP1

Mayo Clinic Laboratories, Mayo Clinic
Classification: Pathogenic. Last evaluated: 2025-09-04. Review status: criteria provided, single submitter. Criteria: ACMG Guidelines, 2015. Collection method: clinical testing. Allele origin: germline. Observed: 1 variant allele.
Comment: PP1, PP3, PM1, PM5, PS3

Victorian Clinical Genetics Services, Murdoch Childrens Research Institute
Classification: Pathogenic for Erythrocytosis, familial, 4. Last evaluated: 2021-05-06. Review status: criteria provided, single submitter. Criteria: ACMG Guidelines, 2015. Collection method: clinical testing. Allele origin: germline. Inheritance: Autosomal dominant inheritance. Affected: yes.
Comment: Based on the classification scheme VCGS_Germline_v1.3.4, this variant is classified as Pathogenic. Following criteria are met: 0101 - Gain of function is a known mechanism of disease in this gene and is associated with familial erythrocytosis 4 (MIM#611783) (PMID: 19208626). (I) 0107 - This gene is associated with autosomal dominant disease. (I) 0200 - Variant is predicted to result in a missense amino acid change from methionine to threonine. (I) 0251 - This variant is heterozygous. (I) 0301 - Variant is absent from gnomAD (both v2 and v3). (SP) 0501 - Missense variant consistently predicted to be damaging by multiple in silico tools or highly conserved with a major amino acid change. (SP) 0602 - Variant is located in a hotspot region or cluster of pathogenic variants (PMID: 27292716). (SP) 0702 - Other missense variants comparable to the one identified in this case have strong previous evidence for pathogenicity. Multiple alternative changes, p.Met535Val, p.Met535Leu and p.Met535Ile, have been reported in individuals with erythrocytosis (ClinVar, LOVD, PMID: 18378852, 18508787, 29790589). (SP) 0801 - This variant has strong previous evidence of pathogenicity in unrelated individuals. This variant has been reported in multiple individuals with erythrocytosis (LOVD, PMID: 22367913, 27292716, 29790589). (SP) 1208 - Inheritance information for this variant is not currently available in this individual. (I) Legend: (SP) - Supporting pathogenic, (I) - Information, (SB) - Supporting benign

Literature cited by the submitters: PubMed 22367913 (cited by Center for Genomic Medicine, Rigshospitalet, Copenhagen University Hospital and Victorian Clinical Genetics Services, Murdoch Childrens Research Institute); PubMed 29790589 (cited by Center for Genomic Medicine, Rigshospitalet, Copenhagen University Hospital and Victorian Clinical Genetics Services, Murdoch Childrens Research Institute); PubMed 27292716 (cited by Center for Genomic Medicine, Rigshospitalet, Copenhagen University Hospital and Victorian Clinical Genetics Services, Murdoch Childrens Research Institute); PubMed 18378852 (cited by Victorian Clinical Genetics Services, Murdoch Childrens Research Institute); PubMed 18508787 (cited by Victorian Clinical Genetics Services, Murdoch Childrens Research Institute); PubMed 19208626 (cited by Victorian Clinical Genetics Services, Murdoch Childrens Research Institute).

NM_001430.5(EPAS1):c.1604T>C (p.Met535Thr)

Gene: EPAS1 (endothelial PAS domain protein 1; plus strand). Cytogenetic location: 2p21.
Variant type: single nucleotide variant.
Coding change: c.1604T>C on transcript NM_001430.5 (MANE Select); coding-DNA position 1604, T replaced by C.
Protein change: p.Met535Thr; replaces methionine 535 with threonine.
Molecular consequence: missense variant.
Genome position (GRCh38, 1-based): chr2:46,380,276, T>C. VCF-style: chr2-46380276-T-C. GRCh37 (hg19) VCF-style: chr2-46607415-T-C.
Other names: p.Met535Thr; short protein forms M535T.
Identifiers: ClinVar variation 1699154 (VCV001699154.5), dbSNP rs2103672173, ClinGen allele CA346704483.